The following is an entry in ClinVar:

ClinVar aggregate classification (germline): Uncertain significance (1 of 4 stars; one submission).

Conditions:
APP-related disorder. Also called: APP-related condition.

Allele frequency attached by ClinVar (database versions not stated): TOPMed below 0.00001; gnomAD 0.00001; ESP Exome Variant Server 0.00008.
gnomAD v4.1: 4 of 1,614,062 alleles (0.00025%); highest among the groups gnomAD compares: Non-Finnish European, 0.00025%; no homozygotes.

Submission:

PreventionGenetics, part of Exact Sciences
Classification: Uncertain significance for APP-related condition. Last evaluated: 2023-09-22. Review status: criteria provided, single submitter. Criteria: ACMG Guidelines, 2015. Collection method: clinical testing. Allele origin: germline.
Comment: The APP c.1813G>C variant is predicted to result in the amino acid substitution p.Glu605Gln. To our knowledge, this variant has not been reported in the literature or in a large population database, indicating this variant is rare. At this time, the clinical significance of this variant is uncertain due to the absence of conclusive functional and genetic evidence.

NM_000484.4(APP):c.1813G>C (p.Glu605Gln)

Gene: APP (amyloid beta precursor protein; minus strand). Cytogenetic location: 21q21.3.
Variant type: single nucleotide variant.
Coding change: c.1813G>C on transcript NM_000484.4 (MANE Select); coding-DNA position 1813, G replaced by C.
Protein change: p.Glu605Gln; replaces glutamic acid 605 with glutamine.
Molecular consequence: missense variant.
Genome position (GRCh38, 1-based): chr21:25,911,837, C>G on the plus strand (G>C on the coding strand, the complement: APP is on the minus strand). VCF-style: chr21-25911837-C-G. GRCh37 (hg19) VCF-style: chr21-27284149-C-G.
Other names: c.1741G>C, p.Glu581Gln (NM_001136016.3); c.1420G>C, p.Glu474Gln (NM_001136129.3); c.1645G>C, p.Glu549Gln (NM_001136130.3, NM_001385253.1); c.1483G>C, p.Glu495Gln (NM_001136131.3); c.1813G>C, p.Glu605Gln (NM_001204301.2); c.1756G>C, p.Glu586Gln (NM_001204302.2, NM_201413.3); c.1588G>C, p.Glu530Gln (NM_001204303.2, NM_201414.3); short protein forms E474Q, E495Q, E530Q, E549Q, E581Q, E586Q, E605Q.
Identifiers: ClinVar variation 2628554 (VCV002628554.1), dbSNP rs374799888, ClinGen allele CA319118377.